The following is an entry in ClinVar:

NM_001039213.4(CEACAM16):c.626T>A (p.Val209Asp)

Genes: CEACAM16 (CEA cell adhesion molecule 16, tectorial membrane component; plus strand), CEACAM16-AS1 (CEACAM16, CEACAM19 and PVR antisense RNA 1; minus strand). Cytogenetic location: 19q13.32.
Variant type: single nucleotide variant.
Coding change: c.626T>A on transcript NM_001039213.4 (MANE Select); coding-DNA position 626, T replaced by A.
Protein change: p.Val209Asp; replaces valine 209 with aspartic acid.
Molecular consequence: missense variant.
Genome position (GRCh38, 1-based): chr19:44,704,261, T>A. VCF-style: chr19-44704261-T-A. GRCh37 (hg19) VCF-style: chr19-45207531-T-A.
Other names: short protein forms V209D.
Identifiers: ClinVar variation 228510 (VCV000228510.4), dbSNP rs876657762, ClinGen allele CA10577103.

ClinVar aggregate classification (germline): Uncertain significance (1 of 4 stars; one submission).

Submission:

Laboratory for Molecular Medicine, Mass General Brigham Personalized Medicine
Classification: Uncertain significance. Last evaluated: 2015-08-12. Review status: criteria provided, single submitter. Criteria: LMM Criteria. Collection method: clinical testing. Allele origin: germline. Observed: 2 variant alleles.
Comment: The p.Val209Asp variant in CEACAM16 has not been previously reported in individu als with hearing loss. Data from large population studies are insufficient to as sess the frequency of this variant in the general population. Computational pred iction tools and conservation analysis do not provide strong support for or agai nst an impact to the protein. In summary, the clinical significance of the p.Val 209Asp variant is uncertain.